The following is an entry in ClinVar:

NM_020549.5(CHAT):c.982del (p.Asp328fs)

Gene: CHAT (choline O-acetyltransferase; plus strand). Cytogenetic location: 10q11.23.
Variant type: Deletion.
Coding change: c.982del on transcript NM_020549.5 (MANE Select); coding-DNA position 982, one base deleted (G; older notation c.982delG).
Protein change: p.Asp328fs; shifts the reading frame from aspartic acid 328.
Molecular consequence: frameshift variant.
Genome position (GRCh38, 1-based): chr10:49,627,656, G deleted; the last of 5 consecutive G bases (chr10:49,627,652-49,627,656); deleting any one gives the same sequence. VCF-style (leftmost placement, unchanged base first): chr10-49627651-AG-A. GRCh37 (hg19) VCF-style: chr10-50835697-AG-A.
Other names: c.628del, p.Asp210fs (NM_001142929.2, NM_001142934.2, NM_020984.4 and 2 more transcripts); c.736del, p.Asp246fs (NM_001142933.2); short protein forms D246fs, D328fs, D210fs.
Identifiers: ClinVar variation 813415 (VCV000813415.5), dbSNP rs1590576560, ClinGen allele CA469605182.
Genomic context (GRCh38, chr10:49,627,651, plus strand): 5'-ACCTGTTTACCCCACAGTTCTTTGTCTTGGATGTTGTCATTAATTTCCGCCGTCTCAGTG[AG>A]GGGGATCTGTTCACTCAGTTGAGAAAGATAGTCAAAATGGCTTCCAACGAGGACGAGCGT-3'

ClinVar aggregate classification (germline): Pathogenic/Likely pathogenic. Review status: criteria provided, multiple submitters, no conflicts (2 of 4 stars). 3 submissions from 3 submitters: Pathogenic (1); Likely pathogenic (2). Last evaluated 2025-06-30.

Conditions:
Familial infantile myasthenia (CMS6). Also called: Congenital myasthenic syndrome type 6; MYASTHENIC SYNDROME, PRESYNAPTIC, CONGENITAL, ASSOCIATED WITH EPISODIC APNEA; MYASTHENIC SYNDROME, CONGENITAL, 6, PRESYNAPTIC. Identifiers: Orphanet 590, MedGen C0393929, MONDO:0009689, OMIM 254210.
Congenital myasthenic syndrome 4C (CMS4C). Also called: Myasthenic syndrome, congenital, associated with acetylcholine receptor deficiency. Identifiers: Orphanet 590, MedGen C1837091, MONDO:0012157, OMIM 608931.

Submissions (3):

Rady Children's Institute for Genomic Medicine, Rady Children's Hospital San Diego
Classification: Likely pathogenic for Congenital myasthenic syndrome type 6. Last evaluated: 2025-06-30. Review status: criteria provided, single submitter. Criteria: ACMG Guidelines, 2015. Collection method: clinical testing. Allele origin: germline. Affected: yes.
Comment: This frameshifting variant in exon 7 of 15 is predicted to result in loss of normal protein function through either protein truncation or nonsense-mediated mRNA decay. Loss-of-function variation in CHAT is an established mechanism of disease in congenital myasthenic syndrome type 6 (PMID: 21786365). This variant has not been previously reported or functionally characterized in the literature to our knowledge. The c.982del (p.Asp328IlefsTer6) variant is present in the latest version of the gnomAD population database at an allele frequency of 0.0002% (3/1613988), and is absent in the homozygous state, thus is presumed to be rare. Based on the available evidence, c.982del (p.Asp328IlefsTer6) is classified as Likely Pathogenic.

Labcorp Genetics (formerly Invitae), Labcorp
Classification: Pathogenic for Familial infantile myasthenia. Last evaluated: 2023-05-15. Review status: criteria provided, single submitter. Criteria: Invitae Variant Classification Sherloc (09022015). Collection method: clinical testing. Allele origin: germline.
Comment: Algorithms developed to predict the effect of sequence changes on RNA splicing suggest that this variant may disrupt the consensus splice site. This sequence change creates a premature translational stop signal (p.Asp328Ilefs*6) in the CHAT gene. It is expected to result in an absent or disrupted protein product. Loss-of-function variants in CHAT are known to be pathogenic (PMID: 12548525, 21786365, 23292760). This variant is not present in population databases (gnomAD no frequency). This variant has not been reported in the literature in individuals affected with CHAT-related conditions. ClinVar contains an entry for this variant (Variation ID: 813415). For these reasons, this variant has been classified as Pathogenic.

Baylor Genetics
Classification: Likely pathogenic for Congenital myasthenic syndrome 4C. Review status: criteria provided, single submitter. Criteria: ACMG Guidelines, 2015. Collection method: clinical testing. Allele origin: germline.

Literature cited by the submitters: PubMed 21786365 (cited by Rady Children's Institute for Genomic Medicine, Rady Children's Hospital San Diego and Labcorp Genetics (formerly Invitae), Labcorp); PubMed 12548525 (cited by Labcorp Genetics (formerly Invitae), Labcorp); PubMed 23292760 (cited by Labcorp Genetics (formerly Invitae), Labcorp).